The following is an entry in ClinVar:

ClinVar aggregate classification (germline): Likely benign. Review status: criteria provided, multiple submitters, no conflicts (2 of 4 stars). 5 submissions from 5 submitters: Likely benign (5). Last evaluated 2025-01-08.

Conditions:
BRCA2-related cancer predisposition. Identifiers: MedGen CN377758, MONDO:0700269.
Hereditary breast ovarian cancer syndrome. Also called: Hereditary breast and/or ovarian cancer syndrome; Hereditary breast and ovarian cancer syndrome; Hereditary breast and ovarian cancer syndrome (HBOC); Hereditary breast and ovarian cancer; BRCA1- and BRCA2-Associated Hereditary Breast and Ovarian Cancer; Breast and ovarian cancer. Identifiers: Orphanet 145, MedGen C0677776, MeSH D061325, MONDO:0003582. Disease mechanism: loss of function.
Hereditary cancer-predisposing syndrome. Also called: Tumor predisposition; Hereditary neoplastic syndrome; Neoplastic Syndromes, Hereditary; Hereditary Cancer Syndrome. Identifiers: Orphanet 140162, MedGen C0027672, MeSH D009386, MONDO:0015356.

Allele frequency attached by ClinVar (database versions not stated): gnomAD exomes below 0.00001.
gnomAD v4.1: 2 of 1,607,458 alleles (0.00012%); highest among the groups gnomAD compares: Non-Finnish European, 0.00017%; no homozygotes.

Submissions (5):

Labcorp Genetics (formerly Invitae), Labcorp
Classification: Likely benign for Hereditary breast ovarian cancer syndrome. Last evaluated: 2025-01-08. Review status: criteria provided, single submitter. Criteria: Invitae Variant Classification Sherloc (09022015). Collection method: clinical testing. Allele origin: germline.

All of Us Research Program, National Institutes of Health
Classification: Likely benign for BRCA2-related cancer predisposition. Last evaluated: 2024-06-17. Review status: criteria provided, single submitter. Criteria: ACMG Guidelines, 2015. Collection method: clinical testing. Allele origin: germline. Inheritance: Autosomal dominant inheritance. Observed: 1 variant allele, 1 heterozygote.
Comment: This study involves interpretation of variants in research participants for the purpose of population health screening. Participant phenotype was not available at the time of variant classification. Additional details can be found in publication PMID: 35346344, PMCID: PMC8962531

Ambry Genetics
Classification: Likely benign for Hereditary cancer-predisposing syndrome. Last evaluated: 2017-08-18. Review status: criteria provided, single submitter. Criteria: Ambry Variant Classification Scheme 2023. Collection method: clinical testing. Allele origin: germline.

Color Diagnostics, LLC DBA Color Health
Classification: Likely benign for Hereditary cancer-predisposing syndrome. Last evaluated: 2017-04-26. Review status: criteria provided, single submitter. Criteria: ACMG Guidelines, 2015. Collection method: clinical testing. Allele origin: germline.

GeneDx
Classification: Likely benign. Last evaluated: 2017-03-01. Review status: criteria provided, single submitter. Criteria: GeneDx Variant Classification (06012015). Collection method: clinical testing. Allele origin: germline. Affected: yes.
Comment: This variant is considered likely benign or benign based on one or more of the following criteria: it is a conservative change, it occurs at a poorly conserved position in the protein, it is predicted to be benign by multiple in silico algorithms, and/or has population frequency not consistent with disease.

NM_000059.4(BRCA2):c.6297A>G (p.Arg2099=)

Gene: BRCA2 (BRCA2 DNA repair associated; plus strand). Cytogenetic location: 13q13.1.
Variant type: single nucleotide variant.
Coding change: c.6297A>G on transcript NM_000059.4 (MANE Select); coding-DNA position 6297, A replaced by G.
Protein change: p.Arg2099=; no amino-acid change (arginine 2099 retained).
Molecular consequence: synonymous variant.
Genome position (GRCh38, 1-based): chr13:32,340,652, A>G. VCF-style: chr13-32340652-A-G. GRCh37 (hg19) VCF-style: chr13-32914789-A-G.
Identifiers: ClinVar variation 378928 (VCV000378928.15), dbSNP rs1057520414, ClinGen allele CA16606690.